The following is an entry in ClinVar:

NM_015354.3(NUP188):c.4024del (p.Thr1342fs)

Gene: NUP188 (nucleoporin 188; plus strand). Cytogenetic location: 9q34.11.
Variant type: Deletion.
Coding change: c.4024del on transcript NM_015354.3 (MANE Select); coding-DNA position 4024, one base deleted (A; older notation c.4024delA).
Protein change: p.Thr1342fs; shifts the reading frame from threonine 1342.
Molecular consequence: frameshift variant.
Genome position (GRCh38, 1-based): chr9:129,001,709, A deleted. VCF-style (leftmost placement, unchanged base first): chr9-129001708-CA-C. GRCh37 (hg19) VCF-style: chr9-131763987-CA-C.
Other names: short protein forms T1342fs.
Identifiers: ClinVar variation 4087685 (VCV004087685.1).
Genomic context (GRCh38, chr9:129,001,708, plus strand): 5'-GGTGAGCCTTCGCATGAAGCAGAACCTGCATTTCACTGAGGCCACATTGCATCTGCTCCT[CA>C]CCCTGGCTCGCACTCAGCAGGTAGGAGGCCAGCCCGAAGGCAGGAGGGAGCGTCCTTGCT-3'

ClinVar aggregate classification (germline): Likely pathogenic (0 of 4 stars; one submission).

Conditions:
Sandestig-stefanova syndrome. Identifiers: MedGen C5394118, MONDO:0032926, OMIM 618804.

Submission:

Clinical Genetics Laboratory, Van Research and Training Hospital
Classification: Likely pathogenic for Sandestig-stefanova syndrome. Last evaluated: 2025-09-24. Review status: no assertion criteria provided. Collection method: clinical testing. Allele origin: germline. Inheritance: Autosomal recessive inheritance. Affected: yes. Observed: 1 variant allele, 1 homozygote.
Comment: The c.4024del (p.Thr1342Profs*26) variant in NUP188 has never been documented in the literature or genetic databases. This variant meets our criteria to be classified as likely pathogenic. Null variant (frame-shift) in gene NUP188, predicted to cause Sandestig-Stefanova syndrome. Loss-of-function is a known mechanism of disease (gene has 19 reported pathogenic LOF variants). The truncated region contains 4 pathogenic variants (PVS1). Variant not found in gnomAD genomes (coverage = 32.1) and not found in gnomAD exomes (coverage = 65.1)(PM2).